The following is an entry in ClinVar:

ClinVar aggregate classification (germline): Uncertain significance (1 of 4 stars; one submission).

Submission:

Labcorp Genetics (formerly Invitae), Labcorp
Classification: Uncertain significance. Last evaluated: 2023-03-10. Review status: criteria provided, single submitter. Criteria: Invitae Variant Classification Sherloc (09022015). Collection method: clinical testing. Allele origin: germline.
Comment: This sequence change replaces alanine, which is neutral and non-polar, with threonine, which is neutral and polar, at codon 1864 of the FLNB protein (p.Ala1864Thr). This variant is not present in population databases (gnomAD no frequency). This variant has not been reported in the literature in individuals affected with FLNB-related conditions. Advanced modeling of protein sequence and biophysical properties (such as structural, functional, and spatial information, amino acid conservation, physicochemical variation, residue mobility, and thermodynamic stability) performed at Invitae indicates that this missense variant is not expected to disrupt FLNB protein function. In summary, the available evidence is currently insufficient to determine the role of this variant in disease. Therefore, it has been classified as a Variant of Uncertain Significance.

NM_001457.4(FLNB):c.5590G>A (p.Ala1864Thr)

Gene: FLNB (filamin B; plus strand). Cytogenetic location: 3p14.3.
Variant type: single nucleotide variant.
Coding change: c.5590G>A on transcript NM_001457.4 (MANE Select); coding-DNA position 5590, G replaced by A.
Protein change: p.Ala1864Thr; replaces alanine 1864 with threonine.
Molecular consequence: missense variant.
Genome position (GRCh38, 1-based): chr3:58,146,855, G>A. VCF-style: chr3-58146855-G-A. GRCh37 (hg19) VCF-style: chr3-58132582-G-A.
Other names: c.5683G>A, p.Ala1895Thr (NM_001164317.2); c.5557G>A, p.Ala1853Thr (NM_001164318.2); c.5518G>A, p.Ala1840Thr (NM_001164319.2); short protein forms A1864T, A1895T, A1840T, A1853T.
Identifiers: ClinVar variation 2844773 (VCV002844773.3), dbSNP rs2471199936, ClinGen allele CA353354912.